The following is an entry in ClinVar:

ClinVar aggregate classification (germline): Uncertain significance (1 of 4 stars; one submission).

Submission:

GeneDx
Classification: Uncertain significance. Last evaluated: 2025-01-09. Review status: criteria provided, single submitter. Criteria: GeneDx Variant Classification Process June 2021. Collection method: clinical testing. Allele origin: germline. Affected: yes.
Comment: Not observed at significant frequency in large population cohorts (gnomAD); In silico analysis supports that this missense variant has a deleterious effect on protein structure/function; Has not been previously published as pathogenic or benign to our knowledge

NM_020795.4(NLGN2):c.210G>C (p.Leu70Phe)

Gene: NLGN2 (neuroligin 2; plus strand). Cytogenetic location: 17p13.1.
Variant type: single nucleotide variant.
Coding change: c.210G>C on transcript NM_020795.4 (MANE Select); coding-DNA position 210, G replaced by C.
Protein change: p.Leu70Phe; replaces leucine 70 with phenylalanine.
Molecular consequence: missense variant.
Genome position (GRCh38, 1-based): chr17:7,408,465, G>C. VCF-style: chr17-7408465-G-C. GRCh37 (hg19) VCF-style: chr17-7311784-G-C.
Other names: short protein forms L70F.
Identifiers: ClinVar variation 4070642 (VCV004070642.1).